The following is an entry in ClinVar:

ClinVar aggregate classification (germline): Likely pathogenic (1 of 4 stars; one submission).

Conditions:
Tricho-oculo-dermo-vertebral syndrome. Also called: ALVES SYNDROME; TODV SYNDROME; TRICHOOCULODERMOVERTEBRAL SYNDROME; Arthrogryposis and ectodermal dysplasia. Identifiers: Orphanet 3354, MedGen C1866427, MONDO:0011131, OMIM 601701.

Submission:

King Laboratory, University of Washington
Classification: Likely pathogenic for Tricho-oculo-dermo-vertebral syndrome. Last evaluated: 2023-02-28. Review status: criteria provided, single submitter. Criteria: Li et al. (Genet Med. 2022). Collection method: research. Allele origin: unknown. Affected: yes.
Comment: This variant occurred in compound heterozygosity with another OTOF splice variant in an individual with bilateral sensorineural hearing loss of onset <18 years, in a study of pediatric hearing loss conducted by the King Laboratory (Carlson RJ et al. JAMA-OtoHNS 2023). This variant is a single base pair substitution that is predicted to alter splicing. At the donor splice of OTOF exon 9, the sequence change is GAG|gtcagt > GAGgtcact, NNSPLICE is 0.98 and 0.13 and MaxEnt is 7.70 and 2.10 for wildtype and mutant sequences, respectively. In OTOF intron 9, a cryptic splice donor is predicted at chr2:26,717,872 (c.835) with sequence GAG|gtgggt, NNSPLICE 0.73 and MaxEnt 7.07. Potential consequences of altered splicing are (a) skipping of OTOF exon 9 resulting in a 132bp message deletion and deletion of 44 amino acids (residues 256-299) within OTOF’s second C2 domain, and (b) cryptic donor splice in OTOF exon 9 resulting in a 63bp message deletion and deletion of 21 amino acids (residues 279-299) within OTOF’s second C2 domain. As of January 2023, this variant has been reported previously in an individual with hearing loss (DFNB9) and is currently classified as pathogenic to ClinVar, and it is not found in any individual on gnomAD. Based on the prediction that this variant leads to a splicing error and a truncated protein, previous classification as pathogenic, and goodness of fit of genotype to phenotype, we conclude that this variant is likely pathogenic.

Literature cited by the submitters: PubMed 36633841.

NM_194248.3(OTOF):c.897+5G>C

Gene: OTOF (otoferlin; minus strand). Cytogenetic location: 2p23.3.
Variant type: single nucleotide variant.
Coding change: c.897+5G>C on transcript NM_194248.3 (MANE Select); 5 bases into the intron after coding-DNA position 897, G replaced by C.
Molecular consequence: intron variant.
Genome position (GRCh38, 1-based): chr2:26,494,937, C>G on the plus strand (G>C on the coding strand, the complement: OTOF is on the minus strand). VCF-style: chr2-26494937-C-G. GRCh37 (hg19) VCF-style: chr2-26717805-C-G.
Other names: c.897+5G>C (NM_001287489.2).
Identifiers: ClinVar variation 2445638 (VCV002445638.1), dbSNP rs1553356452, ClinGen allele CA2580066186.